The following is an entry in ClinVar:

ClinVar aggregate classification (germline): Uncertain significance (1 of 4 stars; one submission).

Submission:

GeneDx
Classification: Uncertain significance. Last evaluated: 2024-05-13. Review status: criteria provided, single submitter. Criteria: GeneDx Variant Classification Process June 2021. Collection method: clinical testing. Allele origin: germline. Affected: yes.
Comment: Not observed at significant frequency in large population cohorts (gnomAD); In silico analysis indicates that this missense variant does not alter protein structure/function; Has not been previously published as pathogenic or benign to our knowledge

NM_145331.3(MAP3K7):c.1001A>G (p.Asn334Ser)

Gene: MAP3K7 (mitogen-activated protein kinase kinase kinase 7; minus strand). Cytogenetic location: 6q15.
Variant type: single nucleotide variant.
Coding change: c.1001A>G on transcript NM_145331.3 (MANE Select); coding-DNA position 1001, A replaced by G.
Protein change: p.Asn334Ser; replaces asparagine 334 with serine.
Molecular consequence: missense variant.
Genome position (GRCh38, 1-based): chr6:90,548,126, T>C on the plus strand (A>G on the coding strand, the complement: MAP3K7 is on the minus strand). VCF-style: chr6-90548126-T-C. GRCh37 (hg19) VCF-style: chr6-91257845-T-C.
Other names: c.1001A>G, p.Asn334Ser (NM_003188.4, NM_145332.3, NM_145333.3); short protein forms N334S.
Identifiers: ClinVar variation 3378252 (VCV003378252.1).